The following is an entry in ClinVar:

NM_001378454.1(ALMS1):c.8421A>G (p.Gln2807=)

Gene: ALMS1 (ALMS1 centrosome and basal body associated protein; plus strand). Cytogenetic location: 2p13.1.
Variant type: single nucleotide variant.
Coding change: c.8421A>G on transcript NM_001378454.1 (MANE Select); coding-DNA position 8421, A replaced by G.
Protein change: p.Gln2807=; no amino-acid change (glutamine 2807 retained).
Molecular consequence: synonymous variant.
Genome position (GRCh38, 1-based): chr2:73,490,380, A>G. VCF-style: chr2-73490380-A-G. GRCh37 (hg19) VCF-style: chr2-73717507-A-G.
Other names: c.8424A>G, p.Gln2808= (NM_015120.4).
Identifiers: ClinVar variation 1254166 (VCV001254166.11), dbSNP rs774574310, ClinGen allele CA1714468.

ClinVar aggregate classification (germline): Likely benign. Review status: criteria provided, multiple submitters, no conflicts (2 of 4 stars). 4 submissions from 4 submitters: Likely benign (4). Last evaluated 2026-02-02.

Conditions:
Cardiovascular phenotype. Identifiers: MedGen CN230736.
Alstrom syndrome (ALMS). Identifiers: Orphanet 64, MedGen C0268425, MONDO:0008763, OMIM 203800.

Allele frequency attached by ClinVar (database versions not stated): ExAC 0.00001; gnomAD 0.00001; gnomAD exomes 0.00001 and 0.00002; TOPMed 0.00002.
gnomAD v4.1: 37 of 1,613,418 alleles (0.0023%); highest among the groups gnomAD compares: African/African-American, 0.004%; no homozygotes.

Submissions (4):

Labcorp Genetics (formerly Invitae), Labcorp
Classification: Likely benign for Alstrom syndrome. Last evaluated: 2026-02-02. Review status: criteria provided, single submitter. Criteria: Invitae Variant Classification Sherloc (09022015). Collection method: clinical testing. Allele origin: germline.

Women's Health and Genetics/Laboratory Corporation of America, LabCorp
Classification: Likely benign. Last evaluated: 2022-03-07. Review status: criteria provided, single submitter. Criteria: LabCorp Variant Classification Summary - May 2015. Collection method: clinical testing. Allele origin: germline.
Comment: Variant summary: ALMS1 c.8418A>G (refseq HGVS c.8424A>G) alters a non-conserved nucleotide resulting in a synonymous change. 4/4 computational tools predict no significant impact on normal splicing. However, these predictions have yet to be confirmed by functional studies. The variant allele was found at a frequency of 1.2e-05 in 248488 control chromosomes. The available data on variant occurrences in the general population are insufficient to allow any conclusion about variant significance. To our knowledge, no occurrence of c.8418A>G in individuals affected with Alstrom Syndrome With Dilated Cardiomyopathy and no experimental evidence demonstrating its impact on protein function have been reported. One clinical diagnostic laboratory has submitted clinical-significance assessments for this variant to ClinVar after 2014 without evidence for independent evaluation. One laboratory classified the variant as benign/likely benign. Based on the evidence outlined above, the variant was classified as likely benign.

GeneDx
Classification: Likely benign. Last evaluated: 2021-08-12. Review status: criteria provided, single submitter. Criteria: GeneDx Variant Classification Process June 2021. Collection method: clinical testing. Allele origin: germline. Affected: yes.

Ambry Genetics
Classification: Likely benign for Cardiovascular phenotype. Last evaluated: 2019-04-19. Review status: criteria provided, single submitter. Criteria: Ambry Variant Classification Scheme 2023. Collection method: clinical testing. Allele origin: germline.